The following is an entry in ClinVar:

NM_006563.5(KLF1):c.409C>T (p.Arg137Cys)

Genes: KLF1 (KLF transcription factor 1; minus strand), LOC130063673 (ATAC-STARR-seq lymphoblastoid silent region 10180; plus strand). Cytogenetic location: 19p13.13.
Variant type: single nucleotide variant.
Coding change: c.409C>T on transcript NM_006563.5 (MANE Select); coding-DNA position 409, C replaced by T.
Protein change: p.Arg137Cys; replaces arginine 137 with cysteine.
Molecular consequence: missense variant.
Genome position (GRCh38, 1-based): chr19:12,885,821, G>A on the plus strand (C>T on the coding strand, the complement: KLF1 is on the minus strand). VCF-style: chr19-12885821-G-A. GRCh37 (hg19) VCF-style: chr19-12996635-G-A.
Other names: short protein forms R137C.
Identifiers: ClinVar variation 892551 (VCV000892551.6), dbSNP rs111888566, ClinGen allele CA305499564.

ClinVar aggregate classification (germline): Uncertain significance. Review status: criteria provided, multiple submitters, no conflicts (2 of 4 stars). 2 submissions from 2 submitters: Uncertain significance (2). Last evaluated 2024-06-04.

Conditions:
Anemia, congenital dyserythropoietic, type IVa. Also called: Congenital dyserythropoietic anemia, type IV; CDA, TYPE IVa; Congenital dyserythropoietic anemia type 4. Identifiers: Orphanet 293825, MedGen C3150926, MONDO:0013355, OMIM 613673.

Allele frequency attached by ClinVar (database versions not stated): gnomAD 0.00001; 1000 Genomes Project 30x 0.00016; gnomAD exomes below 0.00001.
gnomAD v4.1: 7 of 1,548,826 alleles (0.00045%); highest among the groups gnomAD compares: African/African-American, 0.0041%; no homozygotes.

Submissions (2):

Labcorp Genetics (formerly Invitae), Labcorp
Classification: Uncertain significance. Last evaluated: 2024-06-04. Review status: criteria provided, single submitter. Criteria: Invitae Variant Classification Sherloc (09022015). Collection method: clinical testing. Allele origin: germline.
Comment: This sequence change replaces arginine, which is basic and polar, with cysteine, which is neutral and slightly polar, at codon 137 of the KLF1 protein (p.Arg137Cys). The frequency data for this variant in the population databases is considered unreliable, as metrics indicate poor data quality at this position in the gnomAD database. This variant has not been reported in the literature in individuals affected with KLF1-related conditions. ClinVar contains an entry for this variant (Variation ID: 892551). Advanced modeling of protein sequence and biophysical properties (such as structural, functional, and spatial information, amino acid conservation, physicochemical variation, residue mobility, and thermodynamic stability) performed at Invitae indicates that this missense variant is not expected to disrupt KLF1 protein function with a negative predictive value of 80%. In summary, the available evidence is currently insufficient to determine the role of this variant in disease. Therefore, it has been classified as a Variant of Uncertain Significance.

Illumina Laboratory Services, Illumina
Classification: Uncertain significance for Anemia, congenital dyserythropoietic, type IVa. Last evaluated: 2018-01-13. Review status: criteria provided, single submitter. Criteria: ICSL Variant Classification Criteria 13 December 2019. Collection method: clinical testing. Allele origin: germline.